The following is an entry in ClinVar:

NM_000321.3(RB1):c.2452G>A (p.Gly818Ser)

Gene: RB1 (RB transcriptional corepressor 1; plus strand). Cytogenetic location: 13q14.2.
Variant type: single nucleotide variant.
Coding change: c.2452G>A on transcript NM_000321.3 (MANE Select); coding-DNA position 2452, G replaced by A.
Protein change: p.Gly818Ser; replaces glycine 818 with serine.
Molecular consequence: missense variant.
Genome position (GRCh38, 1-based): chr13:48,465,331, G>A. VCF-style: chr13-48465331-G-A. GRCh37 (hg19) VCF-style: chr13-49039467-G-A.
Other names: c.2452G>A, p.Gly818Ser (NM_001407165.1); short protein forms G818S.
Identifiers: ClinVar variation 3430901 (VCV003430901.1).

ClinVar aggregate classification (germline): Uncertain significance (1 of 4 stars; one submission).

Conditions:
Hereditary cancer-predisposing syndrome. Also called: Neoplastic Syndromes, Hereditary; Tumor predisposition; Hereditary Cancer Syndrome; Hereditary neoplastic syndrome. Identifiers: Orphanet 140162, MedGen C0027672, MeSH D009386, MONDO:0015356.

Submission:

Ambry Genetics
Classification: Uncertain significance for Hereditary cancer-predisposing syndrome. Last evaluated: 2024-10-06. Review status: criteria provided, single submitter. Criteria: Ambry Variant Classification Scheme 2023. Collection method: clinical testing. Allele origin: germline.
Comment: The p.G818S variant (also known as c.2452G>A), located in coding exon 23 of the RB1 gene, results from a G to A substitution at nucleotide position 2452. The glycine at codon 818 is replaced by serine, an amino acid with similar properties. This amino acid position is conserved. In addition, the in silico prediction for this alteration is inconclusive. Based on the available evidence, the clinical significance of this variant remains unclear.